The following is an entry in ClinVar:

ClinVar aggregate classification (germline): Uncertain significance. Review status: criteria provided, multiple submitters, no conflicts (2 of 4 stars). 3 submissions from 3 submitters: Uncertain significance (3). Last evaluated 2024-06-28.

Conditions:
Inborn genetic diseases. Identifiers: MedGen C0950123, MeSH D030342.
Primary immunodeficiency with post-measles-mumps-rubella vaccine viral infection. Also called: Immunodeficiency 44. Identifiers: Orphanet 431166, MedGen C4225260, MONDO:0014715, OMIM 616636.

Allele frequency attached by ClinVar (database versions not stated): gnomAD 0.00002 and 0.00004; TOPMed 0.00003; gnomAD exomes 0.00004 and 0.00006; ExAC 0.00008.
gnomAD v4.1: 64 of 1,614,078 alleles (0.004%); highest among the groups gnomAD compares: South Asian, 0.024%; 1 homozygote.

Submissions (3):

Ambry Genetics
Classification: Uncertain significance for Inborn genetic diseases. Last evaluated: 2024-06-28. Review status: criteria provided, single submitter. Criteria: Ambry Variant Classification Scheme 2023. Collection method: clinical testing. Allele origin: germline.

Labcorp Genetics (formerly Invitae), Labcorp
Classification: Uncertain significance for Primary immunodeficiency with post-measles-mumps-rubella vaccine viral infection. Last evaluated: 2023-11-28. Review status: criteria provided, single submitter. Criteria: Invitae Variant Classification Sherloc (09022015). Collection method: clinical testing. Allele origin: germline.
Comment: This sequence change replaces arginine, which is basic and polar, with cysteine, which is neutral and slightly polar, at codon 646 of the STAT2 protein (p.Arg646Cys). This variant is present in population databases (rs763862558, gnomAD 0.02%). This variant has not been reported in the literature in individuals affected with STAT2-related conditions. ClinVar contains an entry for this variant (Variation ID: 1409954). Advanced modeling of protein sequence and biophysical properties (such as structural, functional, and spatial information, amino acid conservation, physicochemical variation, residue mobility, and thermodynamic stability) performed at Invitae indicates that this missense variant is expected to disrupt STAT2 protein function with a positive predictive value of 80%. In summary, the available evidence is currently insufficient to determine the role of this variant in disease. Therefore, it has been classified as a Variant of Uncertain Significance.

Blueprint Genetics
Classification: Uncertain significance. Last evaluated: 2023-11-24. Review status: criteria provided, single submitter. Criteria: ACMG Guidelines, 2015. Collection method: clinical testing. Allele origin: germline.

NM_005419.4(STAT2):c.1936C>T (p.Arg646Cys)

Gene: STAT2 (signal transducer and activator of transcription 2; minus strand). Cytogenetic location: 12q13.3.
Variant type: single nucleotide variant.
Coding change: c.1936C>T on transcript NM_005419.4 (MANE Select); coding-DNA position 1936, C replaced by T.
Protein change: p.Arg646Cys; replaces arginine 646 with cysteine.
Molecular consequence: missense variant.
Genome position (GRCh38, 1-based): chr12:56,346,550, G>A on the plus strand (C>T on the coding strand, the complement: STAT2 is on the minus strand). VCF-style: chr12-56346550-G-A. GRCh37 (hg19) VCF-style: chr12-56740334-G-A.
Other names: c.1903C>T, p.Arg635Cys (NM_001385110.1); c.1837C>T, p.Arg613Cys (NM_001385111.1); c.1936C>T, p.Arg646Cys (NM_001385113.1); c.1915C>T, p.Arg639Cys (NM_001385114.1); c.1894C>T, p.Arg632Cys (NM_001385115.1); c.1924C>T, p.Arg642Cys (NM_198332.2); c.1936C>T (NM_005419.3); short protein forms R635C, R639C, R646C, R642C, R613C, R632C.
Identifiers: ClinVar variation 1409954 (VCV001409954.8), dbSNP rs763862558, ClinGen allele CA6630360.